The following is an entry in ClinVar:

ClinVar aggregate classification (germline): Uncertain significance (0 of 4 stars; one submission).

Conditions:
DNAJB11-related disorder. Also called: DNAJB11-related condition.

Submission:

PreventionGenetics, part of Exact Sciences
Classification: Uncertain significance for DNAJB11-related condition. Last evaluated: 2023-12-06. Review status: no assertion criteria provided. Collection method: clinical testing. Allele origin: germline.
Comment: The DNAJB11 c.685G>A variant is predicted to result in the amino acid substitution p.Glu229Lys. To our knowledge, this variant has not been reported in the literature or in a large population database, indicating this variant is rare. At this time, the clinical significance of this variant is uncertain due to the absence of conclusive functional and genetic evidence.

NM_016306.6(DNAJB11):c.685G>A (p.Glu229Lys)

Gene: DNAJB11 (DnaJ heat shock protein family (Hsp40) member B11; plus strand). Cytogenetic location: 3q27.3.
Variant type: single nucleotide variant.
Coding change: c.685G>A on transcript NM_016306.6 (MANE Select); coding-DNA position 685, G replaced by A.
Protein change: p.Glu229Lys; replaces glutamic acid 229 with lysine.
Molecular consequence: missense variant. On other transcripts: non-coding transcript variant (6).
Genome position (GRCh38, 1-based): chr3:186,582,718, G>A. VCF-style: chr3-186582718-G-A. GRCh37 (hg19) VCF-style: chr3-186300507-G-A.
Other names: c.409G>A, p.Glu137Lys (NM_001378451.1); short protein forms E137K, E229K.
Identifiers: ClinVar variation 3055099 (VCV003055099.2), dbSNP rs2474579444, ClinGen allele CA355715348.